The following is an entry in ClinVar:

ClinVar aggregate classification (germline): Uncertain significance (1 of 4 stars; one submission).

Conditions:
Glycogen storage disease, type II (IOPD). Also called: Pompe Disease; CARDIOMEGALIA GLYCOGENICA DIFFUSA; GLYCOGENOSIS, GENERALIZED, CARDIAC FORM; GSD II; POMPE DISEASE, INFANTILE-ONSET; GLYCOGEN STORAGE DISEASE II, INFANTILE-ONSET. Identifiers: Orphanet 365, MedGen C0017921, MONDO:0009290, OMIM 232300.

Submission:

Genomenon, Inc
Classification: Uncertain significance for Glycogen storage disease, type II. Last evaluated: 2026-07-01. Review status: criteria provided, single submitter. Criteria: Genomenon Sequence Variant Interpretation Standards - Updated. Collection method: curation. Allele origin: germline. Affected: no.
Comment: GAA p.Asp67Asn (c.199G>A) is a missense variant that changes the amino acid at codon 67 from Aspartic acid to Asparagine. This variant has been reported in the published literature (PMID:19609281;31301153;31076647). It is absent or not present at a significant frequency in gnomAD. In silico models predict that this variant is not damaging. In conclusion, we classify GAA p.Asp67Asn (c.199G>A) as a variant of uncertain significance.

Literature cited by the submitters: PubMed 19609281; PubMed 31301153; PubMed 31076647.

NM_000152.5(GAA):c.199G>A (p.Asp67Asn)

Gene: GAA (alpha glucosidase; plus strand). Cytogenetic location: 17q25.3.
Variant type: single nucleotide variant.
Coding change: c.199G>A on transcript NM_000152.5 (MANE Select); coding-DNA position 199, G replaced by A.
Protein change: p.Asp67Asn; replaces aspartic acid 67 with asparagine.
Molecular consequence: missense variant.
Genome position (GRCh38, 1-based): chr17:80,104,785, G>A. VCF-style: chr17-80104785-G-A. GRCh37 (hg19) VCF-style: chr17-78078584-G-A.
Other names: c.199G>A, p.Asp67Asn (NM_001079803.3, NM_001079804.3, NM_001406741.1 and 1 more transcripts); short protein forms D67N.
Identifiers: ClinVar variation 4876477 (VCV004876477.1).